The following is an entry in ClinVar:

NM_000038.6(APC):c.5098G>T (p.Ala1700Ser)

Gene: APC (APC regulator of Wnt signaling pathway; plus strand). Cytogenetic location: 5q22.2.
Variant type: single nucleotide variant.
Coding change: c.5098G>T on transcript NM_000038.6 (MANE Select); coding-DNA position 5098, G replaced by T.
Protein change: p.Ala1700Ser; replaces alanine 1700 with serine.
Molecular consequence: missense variant.
Genome position (GRCh38, 1-based): chr5:112,840,692, G>T. VCF-style: chr5-112840692-G-T. GRCh37 (hg19) VCF-style: chr5-112176389-G-T.
Other names: c.5098G>T, p.Ala1700Ser (NM_001127510.3, NM_001354895.2); c.5044G>T, p.Ala1682Ser (NM_001127511.3); c.5152G>T, p.Ala1718Ser (NM_001354896.2); c.5128G>T, p.Ala1710Ser (NM_001354897.2); c.5023G>T, p.Ala1675Ser (NM_001354898.2); c.4921G>T, p.Ala1641Ser (NM_001354901.2); c.4825G>T, p.Ala1609Ser (NM_001354902.2); c.4795G>T, p.Ala1599Ser (NM_001354903.2); and 5 more; short protein forms A1682S, A1700S, A1609S, A1718S, A1574S, A1659S, A1675S, A1710S.
Identifiers: ClinVar variation 576194 (VCV000576194.16), dbSNP rs1311394468, ClinGen allele CA16032479.

ClinVar aggregate classification (germline): Uncertain significance. Review status: criteria provided, multiple submitters, no conflicts (2 of 4 stars). 3 submissions from 3 submitters: Uncertain significance (3). Last evaluated 2025-12-10.

Conditions:
Hereditary cancer-predisposing syndrome. Also called: Tumor predisposition; Hereditary neoplastic syndrome; Hereditary Cancer Syndrome; Neoplastic Syndromes, Hereditary. Identifiers: Orphanet 140162, MedGen C0027672, MeSH D009386, MONDO:0015356.
Familial adenomatous polyposis 1 (FAP1). Also called: POLYPOSIS, ADENOMATOUS INTESTINAL; FAMILIAL ADENOMATOUS POLYPOSIS 1, ATTENUATED. Identifiers: MedGen C2713442, MONDO:0021056, OMIM 175100. Disease mechanism: loss of function.

gnomAD v4.1: 4 of 1,614,058 alleles (0.00025%); highest among the groups gnomAD compares: Non-Finnish European, 0.00017%; no homozygotes.

Submissions (3):

Labcorp Genetics (formerly Invitae), Labcorp
Classification: Uncertain significance for Familial adenomatous polyposis 1. Last evaluated: 2025-12-10. Review status: criteria provided, single submitter. Criteria: Invitae Variant Classification Sherloc (09022015). Collection method: clinical testing. Allele origin: germline.
Comment: This sequence change replaces alanine, which is neutral and non-polar, with serine, which is neutral and polar, at codon 1700 of the APC protein (p.Ala1700Ser). This variant is not present in population databases (gnomAD no frequency). This variant has not been reported in the literature in individuals affected with APC-related conditions. ClinVar contains an entry for this variant (Variation ID: 576194). Invitae Evidence Modeling of protein sequence and biophysical properties (such as structural, functional, and spatial information, amino acid conservation, physicochemical variation, residue mobility, and thermodynamic stability) indicates that this missense variant is not expected to disrupt APC protein function with a negative predictive value of 95%. In summary, the available evidence is currently insufficient to determine the role of this variant in disease. Therefore, it has been classified as a Variant of Uncertain Significance.

Ambry Genetics
Classification: Uncertain significance for Hereditary cancer-predisposing syndrome. Last evaluated: 2025-06-06. Review status: criteria provided, single submitter. Criteria: Ambry Variant Classification Scheme 2023. Collection method: clinical testing. Allele origin: germline.
Comment: The p.A1700S variant (also known as c.5098G>T), located in coding exon 15 of the APC gene, results from a G to T substitution at nucleotide position 5098. The alanine at codon 1700 is replaced by serine, an amino acid with similar properties. This amino acid position is not well conserved in available vertebrate species. In addition, in silico predictors for this gene do not accurately predict pathogenicity. Missense alterations in APC are not a common cause of disease (Spier I et al. Genet Med. 2024 Feb;26(2):100992). Based on the available evidence, the clinical significance of this variant remains unclear.

Color Diagnostics, LLC DBA Color Health
Classification: Uncertain significance for Hereditary cancer-predisposing syndrome. Last evaluated: 2019-09-12. Review status: criteria provided, single submitter. Criteria: ACMG Guidelines, 2015. Collection method: clinical testing. Allele origin: germline.
Comment: This missense variant replaces alanine with serine at codon 1700 of the APC protein. Computational prediction tool suggests that this variant may not impact protein structure and function (internally defined REVEL score threshold ≤0.5, PMID: 27666373). Splice site prediction tools suggest that this variant may not impact RNA splicing. To our knowledge, functional studies have not been performed for this variant. This variant has not been reported in individuals affected with hereditary cancer in the literature. This variant has not been identified in the general population by the Genome Aggregation Database (gnomAD). The available evidence is insufficient to determine the role of this variant in disease conclusively. Therefore, this variant is classified as a Variant of Uncertain Significance.